The following is an entry in ClinVar:

NM_004656.4(BAP1):c.932-10C>T

Gene: BAP1 (BRCA1 associated deubiquitinase 1; minus strand). Cytogenetic location: 3p21.1.
Variant type: single nucleotide variant.
Coding change: c.932-10C>T on transcript NM_004656.4 (MANE Select); 10 bases into the intron before coding-DNA position 932, C replaced by T.
Molecular consequence: intron variant.
Genome position (GRCh38, 1-based): chr3:52,405,304, G>A on the plus strand (C>T on the coding strand, the complement: BAP1 is on the minus strand). VCF-style: chr3-52405304-G-A. GRCh37 (hg19) VCF-style: chr3-52439320-G-A.
Identifiers: ClinVar variation 922219 (VCV000922219.11), dbSNP rs1705115631, ClinGen allele CA913188184.

ClinVar aggregate classification (germline): Likely benign. Review status: criteria provided, multiple submitters, no conflicts (2 of 4 stars). 3 submissions from 3 submitters: Likely benign (3). Last evaluated 2024-07-15.

Conditions:
Hereditary cancer-predisposing syndrome. Also called: Neoplastic Syndromes, Hereditary; Tumor predisposition; Hereditary Cancer Syndrome; Hereditary neoplastic syndrome. Identifiers: Orphanet 140162, MedGen C0027672, MeSH D009386, MONDO:0015356.
BAP1-related tumor predisposition syndrome (TPDS1). Also called: Tumor susceptibility linked to germline BAP1 mutations; COMMON Syndrome; TUMOR PREDISPOSITION SYNDROME 1; BAP1 tumor predisposition syndrome. Identifiers: Orphanet 289539, MedGen C3280492, MONDO:0013692, OMIM 614327.

Allele frequency attached by ClinVar (database versions not stated): gnomAD 0.00001.
gnomAD v4.1: 1 of 1,613,192 alleles (0.000062%); highest among the groups gnomAD compares: African/African-American, 0.0013%; no homozygotes.

Submissions (3):

Myriad Genetics, Inc.
Classification: Likely benign for BAP1-related tumor predisposition syndrome. Last evaluated: 2024-07-15. Review status: criteria provided, single submitter. Criteria: Myriad Autosomal Dominant, Autosomal Recessive and X-Linked Classification Criteria (2023). Collection method: clinical testing. Allele origin: unknown.
Comment: This variant is considered likely benign. This variant is intronic and is not expected to impact mRNA splicing.

Labcorp Genetics (formerly Invitae), Labcorp
Classification: Likely benign for BAP1-related tumor predisposition syndrome. Last evaluated: 2024-02-03. Review status: criteria provided, single submitter. Criteria: Invitae Variant Classification Sherloc (09022015). Collection method: clinical testing. Allele origin: germline.

Color Diagnostics, LLC DBA Color Health
Classification: Likely benign for Hereditary cancer-predisposing syndrome. Last evaluated: 2019-05-16. Review status: criteria provided, single submitter. Criteria: ACMG Guidelines, 2015. Collection method: clinical testing. Allele origin: germline.